The following is an entry in ClinVar:

NM_001003694.2(BRPF1):c.3157G>C (p.Glu1053Gln)

Gene: BRPF1 (bromodomain and PHD finger containing 1; plus strand). Cytogenetic location: 3p25.3.
Variant type: single nucleotide variant.
Coding change: c.3157G>C on transcript NM_001003694.2 (MANE Select); coding-DNA position 3157, G replaced by C.
Protein change: p.Glu1053Gln; replaces glutamic acid 1053 with glutamine.
Molecular consequence: missense variant. On other transcripts: non-coding transcript variant (1).
Genome position (GRCh38, 1-based): chr3:9,745,661, G>C. VCF-style: chr3-9745661-G-C. GRCh37 (hg19) VCF-style: chr3-9787345-G-C.
Other names: c.2854G>C, p.Glu952Gln (NM_001319049.2); c.3136G>C, p.Glu1046Gln (NM_001319050.2); c.3139G>C, p.Glu1047Gln (NM_004634.3); short protein forms E1046Q, E1047Q, E1053Q, E952Q.
Identifiers: ClinVar variation 1313615 (VCV001313615.2), dbSNP rs2125514706, ClinGen allele CA351704121.

ClinVar aggregate classification (germline): Uncertain significance (1 of 4 stars; one submission).

Submission:

GeneDx
Classification: Uncertain significance. Last evaluated: 2020-10-28. Review status: criteria provided, single submitter. Criteria: GeneDx Variant Classification Process June 2021. Collection method: clinical testing. Allele origin: germline. Affected: yes.
Comment: Not observedin large population cohorts (Lek et al., 2016); In silico analysis supports that this missense variant does not alter protein structure/function; Has not been previously published as pathogenic or benign to our knowledge